The following is an entry in ClinVar:

NM_018127.7(ELAC2):c.1802_1803insAACCA (p.His601fs)

Gene: ELAC2 (elaC ribonuclease Z 2; minus strand). Cytogenetic location: 17p12.
Variant type: Insertion.
Coding change: c.1802_1803insAACCA on transcript NM_018127.7 (MANE Select); coding-DNA positions 1802 to 1803, AACCA inserted.
Protein change: p.His601fs; shifts the reading frame from histidine 601.
Molecular consequence: frameshift variant.
Genome position: GRCh38 VCF-style: chr17-12995708-G-GTGGTT. GRCh37 (hg19) VCF-style: chr17-12899025-G-GTGGTT.
Other names: c.1682_1683insAACCA, p.His561fs (NM_001165962.2); c.1799_1800insAACCA, p.His600fs (NM_173717.2); short protein forms H601fs, H561fs, H600fs.
Identifiers: ClinVar variation 3661835 (VCV003661835.2).

ClinVar aggregate classification (germline): Pathogenic (1 of 4 stars; one submission).

Conditions:
Combined oxidative phosphorylation defect type 17. Also called: Combined oxidative phosphorylation deficiency 17. Identifiers: Orphanet 369913, MedGen C3809526, MONDO:0014190, OMIM 615440.

Submission:

Labcorp Genetics (formerly Invitae), Labcorp
Classification: Pathogenic for Combined oxidative phosphorylation defect type 17. Last evaluated: 2024-09-24. Review status: criteria provided, single submitter. Criteria: Invitae Variant Classification Sherloc (09022015). Collection method: clinical testing. Allele origin: germline.
Comment: This sequence change creates a premature translational stop signal (p.His601Glnfs*6) in the ELAC2 gene. It is expected to result in an absent or disrupted protein product. Loss-of-function variants in ELAC2 are known to be pathogenic (PMID: 27769300, 31045291). This variant is not present in population databases (gnomAD no frequency). This variant has not been reported in the literature in individuals affected with ELAC2-related conditions. For these reasons, this variant has been classified as Pathogenic.

Literature cited by the submitters: PubMed 27769300; PubMed 31045291.